The following is an entry in ClinVar:

ClinVar aggregate classification (germline): Uncertain significance. Review status: criteria provided, single submitter (1 of 4 stars). 2 submissions from 2 submitters: Uncertain significance (1). 1 of the submissions does not count toward it. Last evaluated 2023-12-11.

Conditions:
Nephronophthisis. Also called: Juvenile Nephronophthisis. Identifiers: Orphanet 655, MedGen C0687120, MONDO:0019005, HP:0000090.
INVS-related disorder. Also called: INVS-related condition.

Allele frequency attached by ClinVar (database versions not stated): gnomAD 0.00002; TOPMed 0.00002.
gnomAD v4.1: 30 of 1,614,058 alleles (0.0019%); highest among the groups gnomAD compares: East Asian, 0.0067%; no homozygotes.

Submissions (2):

Labcorp Genetics (formerly Invitae), Labcorp
Classification: Uncertain significance for Nephronophthisis. Last evaluated: 2023-12-11. Review status: criteria provided, single submitter. Criteria: Invitae Variant Classification Sherloc (09022015). Collection method: clinical testing. Allele origin: germline.
Comment: This sequence change replaces valine, which is neutral and non-polar, with methionine, which is neutral and non-polar, at codon 56 of the INVS protein (p.Val56Met). This variant is present in population databases (rs778036236, gnomAD 0.004%). This variant has not been reported in the literature in individuals affected with INVS-related conditions. ClinVar contains an entry for this variant (Variation ID: 862437). An algorithm developed to predict the effect of missense changes on protein structure and function (PolyPhen-2) suggests that this variant is likely to be disruptive. In summary, the available evidence is currently insufficient to determine the role of this variant in disease. Therefore, it has been classified as a Variant of Uncertain Significance.

PreventionGenetics, part of Exact Sciences
Classification: Uncertain significance for INVS-related condition. Last evaluated: 2024-04-17. Review status: no assertion criteria provided. Collection method: clinical testing. Allele origin: germline. Not counted in ClinVar's aggregate classification.
Comment: The INVS c.166G>A variant is predicted to result in the amino acid substitution p.Val56Met. To our knowledge, this variant has not been reported in the literature. This variant is reported in 0.0046% of alleles in individuals of European (Finnish) descent in gnomAD. At this time, the clinical significance of this variant is uncertain due to the absence of conclusive functional and genetic evidence.

NM_014425.5(INVS):c.166G>A (p.Val56Met)

Gene: INVS (inversin; plus strand). Cytogenetic location: 9q31.1.
Variant type: single nucleotide variant.
Coding change: c.166G>A on transcript NM_014425.5 (MANE Select); coding-DNA position 166, G replaced by A.
Protein change: p.Val56Met; replaces valine 56 with methionine.
Molecular consequence: missense variant. On other transcripts: 5 prime UTR variant (2), non-coding transcript variant (1).
Genome position (GRCh38, 1-based): chr9:100,126,442, G>A. VCF-style: chr9-100126442-G-A. GRCh37 (hg19) VCF-style: chr9-102888724-G-A.
Other names: c.-211G>A (NM_001318381.2); c.-824G>A (NM_001318382.2); c.166G>A (NM_014425.4); short protein forms V56M.
Identifiers: ClinVar variation 862437 (VCV000862437.7), dbSNP rs778036236, ClinGen allele CA5158094.